The following is an entry in ClinVar:

NM_005121.3(MED13):c.167G>T (p.Ser56Ile)

Gene: MED13 (mediator complex subunit 13; minus strand). Cytogenetic location: 17q23.2.
Variant type: single nucleotide variant.
Coding change: c.167G>T on transcript NM_005121.3 (MANE Select); coding-DNA position 167, G replaced by T.
Protein change: p.Ser56Ile; replaces serine 56 with isoleucine.
Molecular consequence: missense variant.
Genome position (GRCh38, 1-based): chr17:62,063,201, C>A on the plus strand (G>T on the coding strand, the complement: MED13 is on the minus strand). VCF-style: chr17-62063201-C-A. GRCh37 (hg19) VCF-style: chr17-60140562-C-A.
Other names: short protein forms S56I.
Identifiers: ClinVar variation 4888078 (VCV004888078.1).
Genomic context (GRCh38, chr17:62,063,201, plus strand): 5'-CCAGGTCTTTGATCTCGCCGCCAAACACCAAGTACATCTGCCTTAAGGCAGCGACTAAAA[C>A]TGCTCAAAATGGGGTCTTCTTCTGTCACAGGAAACAGAATAGGGGCAGAAGTTGGGCCTT-3'
Protein context (NP_005112.2, residues 46-66): PVTEEDPILS[Ser56Ile]FSRCLKADVL

ClinVar aggregate classification (germline): Uncertain significance (1 of 4 stars; one submission).

Submission:

GeneDx
Classification: Uncertain significance. Last evaluated: 2026-01-26. Review status: criteria provided, single submitter. Criteria: GeneDx Variant Classification Process June 2021. Collection method: clinical testing. Allele origin: germline.
Comment: Not observed at significant frequency in large population cohorts (gnomAD); In silico analysis supports that this missense variant has a deleterious effect on protein structure/function; Has not been previously published as pathogenic or benign to our knowledge